The following is an entry in ClinVar:

NM_198578.4(LRRK2):c.4111A>G (p.Ile1371Val)

Gene: LRRK2 (leucine rich repeat kinase 2; plus strand). Cytogenetic location: 12q12.
Variant type: single nucleotide variant.
Coding change: c.4111A>G on transcript NM_198578.4 (MANE Select); coding-DNA position 4111, A replaced by G.
Protein change: p.Ile1371Val; replaces isoleucine 1371 with valine.
Molecular consequence: missense variant.
Genome position (GRCh38, 1-based): chr12:40,308,618, A>G. VCF-style: chr12-40308618-A-G. GRCh37 (hg19) VCF-style: chr12-40702420-A-G.
Other names: Ile1371Val; short protein forms I1371V.
Identifiers: ClinVar variation 39176 (VCV000039176.42), dbSNP rs17466213, ClinGen allele CA343563.
Genomic context (GRCh38, chr12:40,308,618, plus strand): 5'-TTGCAGCAATTAATGAAAACCAAGAAATCAGATCTTGGAATGCAAAGTGCCACAGTTGGC[A>G]TAGATGTGAAAGACTGGCCTATCCAAATAAGAGACAAAAGAAAGAGAGATCTCGTCCTAA-3'
Protein context (NP_940980.4, residues 1361-1381): DLGMQSATVG[Ile1371Val]DVKDWPIQIR

ClinVar aggregate classification (germline): Conflicting classifications of pathogenicity. Review status: criteria provided, conflicting classifications (1 of 4 stars). 8 submissions from 8 submitters: Likely pathogenic (1); Uncertain significance (1); Likely benign (5). 1 of the submissions does not count toward it. Last evaluated 2026-02-13.

Conditions:
Autosomal dominant Parkinson disease 8. Also called: LRRK2-Related Parkinson Disease; Parkinson disease 8; Parkinson disease 8, susceptibility to. Identifiers: Orphanet 411602, MedGen C1846862, MONDO:0011764, OMIM 607060.

Allele frequency attached by ClinVar (database versions not stated): gnomAD 0.00050 and 0.00066; TOPMed 0.00059; ESP Exome Variant Server 0.00062; gnomAD exomes 0.00086; ExAC 0.00104; 1000 Genomes Project 0.00120; 1000 Genomes Project 30x 0.00156.
gnomAD v4.1: 1,304 of 1,614,078 alleles (0.081%); highest among the groups gnomAD compares: South Asian, 0.41%; 5 homozygotes.

Submissions (8):

Indrani Datta Laboratory, National Institute of Mental Health and Neurosciences
Classification: Likely pathogenic for Autosomal dominant Parkinson disease 8. Last evaluated: 2026-02-13. Review status: criteria provided, single submitter. Criteria: Singh et al. (Cells. 2026). Collection method: research. Allele origin: inherited. Inheritance: Autosomal dominant inheritance. Affected: yes. Observed: 1 variant allele, 1 heterozygote.
Comment: Pharmacological rescue and in vivo Fluoro-DOPA PET imaging of the index patient further support a causal role. Computational predictions and conservation analyses are consistent with a deleterious effect, supporting classification as likely pathogenic. . PP3 — Computational evidence (Supporting) In silico predictors and evolutionary conservation analyses support a deleterious effect of Ile→Val at position 1371 (PMID: 18230735). The variant localises to the GTPase domain — functionally distinct from the kinase domain — consistent with the pharmacological rescue data showing preferential response to GW5074 over MLi-2 (PMID: 36006382; PMID: 37371062; PMID: 41744785). PS3 (Strong) Multi-system patient-derived functional studies; SHH developmental impairment; membrane, lysosomal, oxidative and neuroinflammatory dysfunction; pharmacological rescue; in vivo PET; 5 peer-reviewed publications PP3 (Supporting) Computational predictors; GTPase domain localisation; pharmacological domain specificity. PS3 (Strong) + PP3 (Supporting) meets the ACMG/AMP 2015 threshold for Likely Pathogenic. 41744785 Membrane lipid dysregulation; G2019S comparison; GW5074 rescue 38753688 SHH signalling; FPC receptor expression; Gli1; ontogenic DA neuron deficit 37371062 Nrf2/glutathione; neuroinflammation; oxidative stress; astrocytic dysfunction 36006382 iPSC-derived DA neurons; yield; function; α-synuclein; computational evidence 32244201 Index patient; Fluoro-DOPA PET; iPSC line generation

Labcorp Genetics (formerly Invitae), Labcorp
Classification: Likely benign for Autosomal dominant Parkinson disease 8. Last evaluated: 2025-12-16. Review status: criteria provided, single submitter. Criteria: Invitae Variant Classification Sherloc (09022015). Collection method: clinical testing. Allele origin: germline.

CeGaT Center for Human Genetics Tuebingen
Classification: Likely benign. Last evaluated: 2025-07-01. Review status: criteria provided, single submitter. Criteria: CeGaT Center For Human Genetics Tuebingen Variant Classification Criteria Version 2. Collection method: clinical testing. Allele origin: germline. Affected: yes. Observed: 2 variant alleles.
Comment: LRRK2: BP4, BS2

Department of Pathology and Laboratory Medicine, Sinai Health System
Classification: Uncertain significance for Autosomal dominant Parkinson disease 8. Last evaluated: 2021-09-09. Review status: criteria provided, single submitter. Criteria: ACMG Guidelines, 2015. Collection method: research. Allele origin: germline.

Mendelics
Classification: Likely benign for Autosomal dominant Parkinson disease 8. Last evaluated: 2019-05-28. Review status: criteria provided, single submitter. Criteria: Mendelics Assertion Criteria 2017. Collection method: clinical testing. Allele origin: unknown.

Illumina Laboratory Services, Illumina
Classification: Likely benign for Autosomal dominant Parkinson disease 8. Last evaluated: 2017-04-27. Review status: criteria provided, single submitter. Criteria: ICSL Variant Classification Criteria 13 December 2019. Collection method: clinical testing. Allele origin: germline.
Comment: This variant was observed as part of a predisposition screen in an ostensibly healthy population. A literature search was performed for the gene, cDNA change, and amino acid change (where applicable). Publications were found based on this search. The evidence from the literature, in combination with allele frequency data from public databases where available, was sufficient to determine this variant is unlikely to cause disease. Therefore, this variant is classified as likely benign.

Breakthrough Genomics
Classification: Likely benign. Review status: criteria provided, single submitter. Criteria: ACMG Guidelines, 2015. Collection method: not provided. Allele origin: germline. Inheritance: Autosomal dominant inheritance. Affected: yes.

GeneReviews
No classification provided. Condition: Autosomal dominant Parkinson disease 8. Review status: no classification provided. Collection method: literature only. Allele origin: unknown. Not counted in ClinVar's aggregate classification.

Literature cited by the submitters: PubMed 36006382 (cited by Indrani Datta Laboratory, National Institute of Mental Health and Neurosciences); PubMed 37371062 (cited by Indrani Datta Laboratory, National Institute of Mental Health and Neurosciences); PubMed 38753688 (cited by Indrani Datta Laboratory, National Institute of Mental Health and Neurosciences); PubMed 32244201 (cited by Indrani Datta Laboratory, National Institute of Mental Health and Neurosciences); PubMed 18230735 (cited by Indrani Datta Laboratory, National Institute of Mental Health and Neurosciences and Illumina Laboratory Services, Illumina); PubMed 20721913 (cited by Illumina Laboratory Services, Illumina); PubMed 21796139 (cited by Illumina Laboratory Services, Illumina); PubMed 17419834 (cited by Illumina Laboratory Services, Illumina); PubMed 16157901 (cited by Illumina Laboratory Services, Illumina); PubMed 18358451 (cited by Illumina Laboratory Services, Illumina); PubMed 16333314 (cited by Illumina Laboratory Services, Illumina); PubMed 19357115 (cited by Illumina Laboratory Services, Illumina); PubMed 24488318 (cited by Illumina Laboratory Services, Illumina); PubMed 20642453 (cited by Illumina Laboratory Services, Illumina); PubMed 21885347 (cited by Illumina Laboratory Services, Illumina); PubMed 17149743 (cited by Illumina Laboratory Services, Illumina); PubMed 24470158 (cited by Illumina Laboratory Services, Illumina); PubMed 17200152 (cited by Illumina Laboratory Services, Illumina); PubMed 20301387 (cited by GeneReviews); NCBI Bookshelf NBK1208 (cited by GeneReviews).